The following is an entry in ClinVar:

NM_000492.4(CFTR):c.1150G>C (p.Glu384Gln)

Gene: CFTR (CF transmembrane conductance regulator; plus strand). Cytogenetic location: 7q31.2.
Variant type: single nucleotide variant.
Coding change: c.1150G>C on transcript NM_000492.4 (MANE Select); coding-DNA position 1150, G replaced by C.
Protein change: p.Glu384Gln; replaces glutamic acid 384 with glutamine.
Molecular consequence: missense variant.
Genome position (GRCh38, 1-based): chr7:117,542,049, G>C. VCF-style: chr7-117542049-G-C. GRCh37 (hg19) VCF-style: chr7-117182103-G-C.
Other names: short protein forms E384Q.
Identifiers: ClinVar variation 4227415 (VCV004227415.1).

ClinVar aggregate classification (germline): Uncertain significance (1 of 4 stars; one submission).

Conditions:
Cystic fibrosis (CF). Also called: MUCOVISCIDOSIS. Identifiers: Orphanet 586, MedGen C0010674, MONDO:0009061, OMIM 219700. Disease mechanism: loss of function.

Submission:

Ambry Genetics
Classification: Uncertain significance for Cystic fibrosis. Last evaluated: 2025-07-24. Review status: criteria provided, single submitter. Criteria: Ambry Variant Classification Scheme 2023. Collection method: clinical testing. Allele origin: germline.
Comment: The p.E384Q variant (also known as c.1150G>C), located in coding exon 9 of the CFTR gene, results from a G to C substitution at nucleotide position 1150. The glutamic acid at codon 384 is replaced by glutamine, an amino acid with highly similar properties. This amino acid position is conserved. In addition, the in silico prediction for this alteration is inconclusive. Based on the available evidence, the clinical significance of this variant remains unclear.